The following is an entry in ClinVar:

NM_001330691.3(CEP78):c.221A>G (p.Lys74Arg)

Gene: CEP78 (centrosomal protein 78; plus strand). Cytogenetic location: 9q21.2.
Variant type: single nucleotide variant.
Coding change: c.221A>G on transcript NM_001330691.3 (MANE Select); coding-DNA position 221, A replaced by G.
Protein change: p.Lys74Arg; replaces lysine 74 with arginine.
Molecular consequence: missense variant.
Genome position (GRCh38, 1-based): chr9:78,236,571, A>G. VCF-style: chr9-78236571-A-G. GRCh37 (hg19) VCF-style: chr9-80851487-A-G.
Other names: c.221A>G, p.Lys74Arg (NM_001098802.3, NM_001330693.3, NM_001330694.2 and 4 more transcripts); short protein forms K74R.
Identifiers: ClinVar variation 1425213 (VCV001425213.6), dbSNP rs748836436, ClinGen allele CA5094838.

ClinVar aggregate classification (germline): Uncertain significance (1 of 4 stars; one submission).

Allele frequency attached by ClinVar (database versions not stated): gnomAD exomes below 0.00001 and 0.00001; TOPMed below 0.00001; gnomAD 0.00001; ExAC 0.00002.
gnomAD v4.1: 5 of 1,567,908 alleles (0.00032%); highest among the groups gnomAD compares: Admixed American, 0.0019%; no homozygotes.

Submission:

Labcorp Genetics (formerly Invitae), Labcorp
Classification: Uncertain significance. Last evaluated: 2021-05-01. Review status: criteria provided, single submitter. Criteria: Invitae Variant Classification Sherloc (09022015). Collection method: clinical testing. Allele origin: germline.
Comment: This variant is present in population databases (rs748836436, ExAC 0.004%). This sequence change replaces lysine with arginine at codon 74 of the CEP78 protein (p.Lys74Arg). The lysine residue is weakly conserved and there is a small physicochemical difference between lysine and arginine. This variant has not been reported in the literature in individuals with CEP78-related conditions. In summary, the available evidence is currently insufficient to determine the role of this variant in disease. Therefore, it has been classified as a Variant of Uncertain Significance. Algorithms developed to predict the effect of sequence changes on RNA splicing suggest that this variant may create or strengthen a splice site, but this prediction has not been confirmed by published transcriptional studies. Algorithms developed to predict the effect of missense changes on protein structure and function output the following: SIFT: "Tolerated"; PolyPhen-2: "Benign"; Align-GVGD: "Class C0". The arginine amino acid residue is found in multiple mammalian species, suggesting that this missense change does not adversely affect protein function. These predictions have not been confirmed by published functional studies and their clinical significance is uncertain.